The following is an entry in ClinVar:

ClinVar aggregate classification (germline): Pathogenic/Likely pathogenic. Review status: criteria provided, multiple submitters, no conflicts (2 of 4 stars). 2 submissions from 2 submitters: Pathogenic (1); Likely pathogenic (1). Last evaluated 2024-08-29.

Submissions (2):

Revvity Omics, Revvity
Classification: Likely pathogenic. Last evaluated: 2024-08-29. Review status: criteria provided, single submitter. Criteria: ACMG Guidelines, 2015. Collection method: clinical testing. Allele origin: germline.

Labcorp Genetics (formerly Invitae), Labcorp
Classification: Pathogenic. Last evaluated: 2024-03-13. Review status: criteria provided, single submitter. Criteria: Invitae Variant Classification Sherloc (09022015). Collection method: clinical testing. Allele origin: germline.
Comment: This sequence change creates a premature translational stop signal (p.Tyr392Ilefs*3) in the SLC4A1 gene. It is expected to result in an absent or disrupted protein product. Loss-of-function variants in SLC4A1 are known to be pathogenic (PMID: 8943874, 10926824, 23255290). This variant is not present in population databases (gnomAD no frequency). This variant has not been reported in the literature in individuals affected with SLC4A1-related conditions. For these reasons, this variant has been classified as Pathogenic.

Literature cited by the submitters: PubMed 8943874 (cited by Labcorp Genetics (formerly Invitae), Labcorp); PubMed 10926824 (cited by Labcorp Genetics (formerly Invitae), Labcorp); PubMed 23255290 (cited by Labcorp Genetics (formerly Invitae), Labcorp).

NM_000342.4(SLC4A1):c.1174del (p.Tyr392fs)

Gene: SLC4A1 (solute carrier family 4 member 1 (Diego blood group); minus strand). Cytogenetic location: 17q21.31.
Variant type: Deletion.
Coding change: c.1174del on transcript NM_000342.4 (MANE Select); coding-DNA position 1174, one base deleted (T; older notation c.1174delT).
Protein change: p.Tyr392fs; shifts the reading frame from tyrosine 392.
Molecular consequence: frameshift variant.
Genome position (GRCh38, 1-based): chr17:44,258,094, A deleted on the plus strand (T on the coding strand, the reverse complement: SLC4A1 is on the minus strand). VCF-style (leftmost placement, unchanged base first): chr17-44258093-TA-T. GRCh37 (hg19) VCF-style: chr17-42335461-TA-T.
Other names: short protein forms Y392fs.
Identifiers: ClinVar variation 3645829 (VCV003645829.3).